The following is an entry in ClinVar:

ClinVar aggregate classification (germline): Benign/Likely benign. Review status: criteria provided, multiple submitters, no conflicts (2 of 4 stars). 7 submissions from 6 submitters: Benign (4); Likely benign (3). Last evaluated 2026-02-03.

Conditions:
Acute lymphoid leukemia (ALL). Also called: Leukemia, acute lymphoblastic, somatic; Acute lymphoblastic leukemia; Acute lymphocytic leukemia; Lymphoblastic leukemia. Identifiers: Orphanet 513, MedGen C0023449, MONDO:0004967, OMIM 613065, HP:0006721.
Hereditary cancer-predisposing syndrome. Also called: Tumor predisposition; Neoplastic Syndromes, Hereditary; Hereditary neoplastic syndrome; Hereditary Cancer Syndrome. Identifiers: Orphanet 140162, MedGen C0027672, MeSH D009386, MONDO:0015356.
Microcephaly, normal intelligence and immunodeficiency (NBS). Also called: Microcephaly with normal intelligence immunodeficiency and lymphoreticular malignancies; Nonsyndromal microcephaly autosomal recessive with normal intelligence; Seemanova syndrome 2; Nijmegen breakage syndrome; BERLIN BREAKAGE SYNDROME; IMMUNODEFICIENCY, MICROCEPHALY, AND CHROMOSOMAL INSTABILITY. Identifiers: Orphanet 647, MedGen C0398791, MONDO:0009623, OMIM 251260.
Aplastic anemia. Identifiers: Orphanet 182040, Orphanet 88, MedGen C0002874, MONDO:0015909, OMIM 609135, HP:0001915.

Allele frequency attached by ClinVar (database versions not stated): gnomAD 0.00002 and 0.00007; gnomAD exomes 0.00003 and 0.00006; TOPMed 0.00007; ExAC 0.00008; 1000 Genomes Project 30x 0.00031; 1000 Genomes Project 0.00040.
gnomAD v4.1: 64 of 1,612,870 alleles (0.004%); highest among the groups gnomAD compares: East Asian, 0.027%; no homozygotes.

Submissions (7):

Labcorp Genetics (formerly Invitae), Labcorp
Classification: Likely benign for Microcephaly, normal intelligence and immunodeficiency. Last evaluated: 2026-02-03. Review status: criteria provided, single submitter. Criteria: Invitae Variant Classification Sherloc (09022015). Collection method: clinical testing. Allele origin: germline.

KCCC/NGS Laboratory, Kuwait Cancer Control Center
Classification: Benign for Microcephaly, normal intelligence and immunodeficiency. Last evaluated: 2025-02-01. Review status: criteria provided, single submitter. Criteria: ACMG Guidelines, 2015. Collection method: clinical testing. Allele origin: germline. Affected: no.

Institute for Biomarker Research, Medical Diagnostic Laboratories, L.L.C.
Classification: Benign for Hereditary cancer-predisposing syndrome. Last evaluated: 2024-11-20. Review status: criteria provided, single submitter. Criteria: ACMG Guidelines, 2015. Collection method: clinical testing. Allele origin: germline.
Comment: The intron variant NM_002485.5(NBN):c.995-17A>G has been reported to ClinVar as Benign/Likely benign with a status of (2 stars) criteria provided, multiple submitters, no conflicts (Variation ID 378236 as of 2024-10-03). The c.995-17A>G variant is not predicted to disrupt the existing acceptor splice site 15bp upstream by any splice site algorithm. The c.995-17A>G variant is predicted to introduce a novel splice site by 1 of 4 splice site algorithms. For these reasons, this variant has been classified as Likely Benign

Blueprint Genetics
Classification: Likely benign. Last evaluated: 2024-10-03. Review status: criteria provided, single submitter. Criteria: ACMG Guidelines, 2015. Collection method: clinical testing. Allele origin: germline.

KCCC/NGS Laboratory, Kuwait Cancer Control Center
Classification: Benign for Acute lymphoid leukemia. Last evaluated: 2023-07-07. Review status: criteria provided, single submitter. Criteria: ACMG Guidelines, 2015. Collection method: clinical testing. Allele origin: germline. Affected: yes.

Fulgent Genetics
Classification: Likely benign for Microcephaly, normal intelligence and immunodeficiency; Aplastic anemia; Acute lymphoid leukemia. Last evaluated: 2022-01-01. Review status: criteria provided, single submitter. Criteria: ACMG Guidelines, 2015. Collection method: clinical testing. Allele origin: unknown.

GeneDx
Classification: Benign. Last evaluated: 2015-04-22. Review status: criteria provided, single submitter. Criteria: GeneDx Variant Classification (06012015). Collection method: clinical testing. Allele origin: germline. Affected: yes.
Comment: This variant is considered likely benign or benign based on one or more of the following criteria: it is a conservative change, it occurs at a poorly conserved position in the protein, it is predicted to be benign by multiple in silico algorithms, and/or has population frequency not consistent with disease.

NM_002485.5(NBN):c.995-17A>G

Gene: NBN (nibrin; minus strand). Cytogenetic location: 8q21.3.
Variant type: single nucleotide variant.
Coding change: c.995-17A>G on transcript NM_002485.5 (MANE Select); 17 bases into the intron before coding-DNA position 995, A replaced by G.
Molecular consequence: intron variant.
Genome position (GRCh38, 1-based): chr8:89,958,871, T>C on the plus strand (A>G on the coding strand, the complement: NBN is on the minus strand). VCF-style: chr8-89958871-T-C. GRCh37 (hg19) VCF-style: chr8-90971099-T-C.
Other names: c.749-17A>G (NM_001024688.3).
Identifiers: ClinVar variation 378236 (VCV000378236.15), dbSNP rs372875251, ClinGen allele CA4802819.
Genomic context (GRCh38, chr8:89,958,871, plus strand): 5'-CACGCCTTGTGAAAGGCTTGGTCCTGGAGTTGTTGTCTTTAATCCTGTAAATCACACAAG[T>C]AGAAAGAAAGAATCACAACTGCTAGATAGAAGATGAACATCTGGTCACTTAAAATTGTTA-3'